The following is an entry in ClinVar:

ClinVar aggregate classification (germline): Uncertain significance (1 of 4 stars; one submission).

Submission:

Ambry Genetics
Classification: Uncertain significance. Last evaluated: 2025-05-01. Review status: criteria provided, single submitter. Criteria: Ambry Variant Classification Scheme 2023. Collection method: clinical testing. Allele origin: germline.
Comment: The p.C678G variant (also known as c.2032T>G), located in coding exon 8 of the RNF43 gene, results from a T to G substitution at nucleotide position 2032. The cysteine at codon 678 is replaced by glycine, an amino acid with highly dissimilar properties. This amino acid position is conserved. In addition, this alteration is predicted to be tolerated by in silico analysis. Based on the available evidence, the clinical significance of this variant remains unclear.

NM_017763.6(RNF43):c.2032T>G (p.Cys678Gly)

Gene: RNF43 (ring finger protein 43; minus strand). Cytogenetic location: 17q22.
Variant type: single nucleotide variant.
Coding change: c.2032T>G on transcript NM_017763.6 (MANE Select); coding-DNA position 2032, T replaced by G.
Protein change: p.Cys678Gly; replaces cysteine 678 with glycine.
Molecular consequence: missense variant.
Genome position (GRCh38, 1-based): chr17:58,357,744, A>C on the plus strand (T>G on the coding strand, the complement: RNF43 is on the minus strand). VCF-style: chr17-58357744-A-C. GRCh37 (hg19) VCF-style: chr17-56435105-A-C.
Other names: c.2032T>G, p.Cys678Gly (NM_001305544.3); c.1651T>G, p.Cys551Gly (NM_001305545.2); short protein forms C678G, C551G.
Identifiers: ClinVar variation 3946874 (VCV003946874.1).
Genomic context (GRCh38, chr17:58,357,744, plus strand): 5'-GGTGTGCCTCTGGGGACCAAGGATATGCCACACTGGGGGTGTAATGGGGAAAAATCTGGC[A>C]AGCTGGGTGCACAGTTGCATCCTGGGGCCGAGAGCCAGGGGTGGGCTCGGAGGGACCCCC-3'
Protein context (NP_060233.3, residues 668-688): RPQDATVHPA[Cys678Gly]QIFPHYTPSV